The following is an entry in ClinVar:

NM_199242.3(UNC13D):c.753+1G>A

Gene: UNC13D (unc-13 homolog D; minus strand). Cytogenetic location: 17q25.1.
Variant type: single nucleotide variant.
Coding change: c.753+1G>A on transcript NM_199242.3 (MANE Select); the canonical splice donor site of the intron after coding-DNA position 753, G replaced by A.
Molecular consequence: splice donor variant.
Genome position (GRCh38, 1-based): chr17:75,840,506, C>T on the plus strand (G>A on the coding strand, the complement: UNC13D is on the minus strand). VCF-style: chr17-75840506-C-T. GRCh37 (hg19) VCF-style: chr17-73836587-C-T.
Identifiers: ClinVar variation 2846553 (VCV002846553.3), dbSNP rs201908137, ClinGen allele CA401109938.

ClinVar aggregate classification (germline): Pathogenic (1 of 4 stars; one submission).

Conditions:
Familial hemophagocytic lymphohistiocytosis 3 (FHL3). Also called: UNC13D-Related Familial Hemophagocytic Lymphohistiocytosis (UNC13D-fHLH). Identifiers: Orphanet 540, MedGen C1837174, MONDO:0012146, OMIM 608898.

gnomAD v4.1: 7 of 1,614,062 alleles (0.00043%); highest among the groups gnomAD compares: Non-Finnish European, 0.00059%; no homozygotes.

Submission:

Labcorp Genetics (formerly Invitae), Labcorp
Classification: Pathogenic for Familial hemophagocytic lymphohistiocytosis 3. Last evaluated: 2023-04-05. Review status: criteria provided, single submitter. Criteria: Invitae Variant Classification Sherloc (09022015). Collection method: clinical testing. Allele origin: germline.
Comment: This sequence change affects a donor splice site in intron 9 of the UNC13D gene. RNA analysis indicates that disruption of this splice site induces altered splicing and may result in an absent or disrupted protein product. This variant is present in population databases (no rsID available, gnomAD 0.0009%). Disruption of this splice site has been observed in individuals with hemophagocytic lymphohistiocytosis (PMID: 14622600, 16825436, 18492689, 21248318, 23669735, 24825797, 25573973). Studies have shown that disruption of this splice site results in skipping of exon 9 and introduces a premature termination codon (PMID: 18492689). The resulting mRNA is expected to undergo nonsense-mediated decay. For these reasons, this variant has been classified as Pathogenic.

Literature cited by the submitters: PubMed 14622600; PubMed 16825436; PubMed 18492689; PubMed 21248318; PubMed 23669735; PubMed 24825797; PubMed 25573973.